The following is an entry in ClinVar:

NM_001754.5(RUNX1):c.978C>A (p.Asp326Glu)

Gene: RUNX1 (RUNX family transcription factor 1; minus strand). Cytogenetic location: 21q22.12.
Variant type: single nucleotide variant.
Coding change: c.978C>A on transcript NM_001754.5 (MANE Select); coding-DNA position 978, C replaced by A.
Protein change: p.Asp326Glu; replaces aspartic acid 326 with glutamic acid.
Molecular consequence: missense variant.
Genome position (GRCh38, 1-based): chr21:34,792,600, G>T on the plus strand (C>A on the coding strand, the complement: RUNX1 is on the minus strand). VCF-style: chr21-34792600-G-T. GRCh37 (hg19) VCF-style: chr21-36164897-G-T.
Other names: NM_001754.5(RUNX1):c.978C>A; p.Asp326Glu; c.897C>A, p.Asp299Glu (NM_001001890.3); short protein forms D326E, D299E.
Identifiers: ClinVar variation 2799969 (VCV002799969.4), dbSNP rs2056461802, ClinGen allele CA410148813.

ClinVar aggregate classification (germline): Uncertain significance. Review status: reviewed by expert panel (3 of 4 stars). 2 submissions from 2 submitters: Uncertain significance (1). 1 of the submissions does not count toward it. Last evaluated 2025-01-15.

Conditions:
Hereditary thrombocytopenia and hematological cancer predisposition syndrome associated with RUNX1. Also called: Familial Platelet Disorder with Propensity to Acute Myelogenous Leukemia; Familial thrombocytopenia with propensity to acute myelogenous leukemia; PLATELET DISORDER, ASPIRIN-LIKE; RUNX1 Familial Platelet Disorder with Associated Myeloid Malignancies. Identifiers: Orphanet 71290, MedGen C1832388, MeSH C563324, MONDO:0100083, OMIM 601399.
Hereditary thrombocytopenia and hematologic cancer predisposition syndrome. Identifiers: Orphanet 71290, MedGen CN281654, MONDO:0011071.

Submissions (2):

ClinGen Myeloid Malignancy Variant Curation Expert Panel
Classification: Uncertain significance for Hereditary thrombocytopenia and hematologic cancer predisposition syndrome. Last evaluated: 2025-01-15. Review status: reviewed by expert panel. Criteria: ClinGen MyeloMalig ACMG Specifications v2. Collection method: curation. Allele origin: germline. Inheritance: Autosomal dominant inheritance.
Comment: NM_001754.5(RUNX1):c.978C>A (p.Asp326Glu) is a missense variant which has a REVEL score < 0.50 (0.075), and a SpliceAI score ≤ 0.20 (0.0) (BP4). This variant is completely absent from all population databases with at least 20x coverage for RUNX1 (PM2_Supporting). In summary, the clinical significance of this variant is uncertain. ACMG/AMP criteria applied, as specified by the Myeloid Malignancy Variant Curation Expert Panel for RUNX1: BP4, PM2_supporting.

Labcorp Genetics (formerly Invitae), Labcorp
Classification: Uncertain significance for Hereditary thrombocytopenia and hematological cancer predisposition syndrome associated with RUNX1. Last evaluated: 2023-02-03. Review status: criteria provided, single submitter. Criteria: Invitae Variant Classification Sherloc (09022015). Collection method: clinical testing. Allele origin: germline. Not counted in ClinVar's aggregate classification.
Comment: This sequence change replaces aspartic acid, which is acidic and polar, with glutamic acid, which is acidic and polar, at codon 326 of the RUNX1 protein (p.Asp326Glu). This variant is not present in population databases (gnomAD no frequency). This variant has not been reported in the literature in individuals affected with RUNX1-related conditions. In summary, the available evidence is currently insufficient to determine the role of this variant in disease. Therefore, it has been classified as a Variant of Uncertain Significance. Advanced modeling of protein sequence and biophysical properties (such as structural, functional, and spatial information, amino acid conservation, physicochemical variation, residue mobility, and thermodynamic stability) performed at Invitae indicates that this missense variant is not expected to disrupt RUNX1 protein function.